The following continues an entry in ClinVar:

NM_032043.3(BRIP1):c.1372G>T (p.Glu458Ter)

Gene: BRIP1. ClinVar aggregate classification (germline): Pathogenic/Likely pathogenic. Pathogenic (16); Likely pathogenic (1).

Submissions 13 to 18 of 18:

Sema4
Classification: Pathogenic for Hereditary cancer-predisposing syndrome. Last evaluated: 2022-02-05. Review status: criteria provided, single submitter. Criteria: Sema4 Curation Guidelines. Collection method: curation. Allele origin: germline.
Comment: The BRIP1 c.1372G>T (p.E458X) variant has been reported in heterozygosity in numerous individuals with breast, ovarian, and pancreatic cancer (PMID: 26681312, 26720728, 28709830, 30154229, 31512090, 30716324, 32242007, 33471991). This nonsense variant creates a premature stop codon at residue 458 of the BRIP1 protein. At this location, nonsense-mediated decay is predicted to occur, resulting in a loss of gene function. Loss of function variants in BRIP1 are known to be pathogenic (PMID: 16116423). It was observed in 2/24754 chromosomes of the African/African American subpopulation in the large and broad cohorts of the Genome Aggregation Database (PMID: 32461654). The variant has been reported in ClinVar (Variation ID 128156). Based on the current evidence available, this variant is interpreted as pathogenic.

Department of Pathology and Laboratory Medicine, Sinai Health System
Classification: Pathogenic for familial ovarian cancer. Last evaluated: 2021-03-10. Review status: criteria provided, single submitter. Criteria: ACMG Guidelines, 2015. Collection method: clinical testing. Allele origin: germline. Affected: no.

ARUP Laboratories, Molecular Genetics and Genomics, ARUP Laboratories
Classification: Pathogenic. Last evaluated: 2019-12-15. Review status: criteria provided, single submitter. Criteria: ARUP Molecular Germline Variant Investigation Process. Collection method: clinical testing. Allele origin: germline.
Comment: The BRIP1 c.1372G>T; p.Glu458Ter variant (rs587780228), is reported in the literature in individuals with a clinical history of ovarian cancer, breast cancer, glioblastoma, or colon polyps (Norquist 2016, Susswein 2016). This variant is classified as pathogenic by several laboratories in ClinVar (Variation ID: 128156). It is observed in the general population at a low overall allele frequency of 0.006% (2/30950 alleles) in the Genome Aggregation Database. This variant induces an early termination codon and is predicted to result in a truncated protein or mRNA subject to nonsense-mediated decay. Based on available information, this variant is considered pathogenic. REFERENCES Norquist BM et al. Inherited Mutations in Women With Ovarian Carcinoma. JAMA Oncol. 2016 Apr;2(4):482-90. Susswein LR et al. Pathogenic and likely pathogenic variant prevalence among the first 10,000 patients referred for next-generation cancer panel testing. Genet Med. 2016 Aug;18(8):823-32.

Revvity Omics, Revvity
Classification: Pathogenic for Fanconi anemia complementation group J. Last evaluated: 2019-09-06. Review status: criteria provided, single submitter. Criteria: ACMG Guidelines, 2015. Collection method: clinical testing. Allele origin: germline.

Women's Health and Genetics/Laboratory Corporation of America, LabCorp
Classification: Pathogenic for Familial cancer of breast. Last evaluated: 2018-11-08. Review status: criteria provided, single submitter. Criteria: LabCorp Variant Classification Summary - May 2015. Collection method: clinical testing. Allele origin: germline.
Comment: Variant summary: BRIP1 c.1372G>T (p.Glu458X) results in a premature termination codon, predicted to cause a truncation of the encoded protein or absence of the protein due to nonsense mediated decay, which are commonly known mechanisms for disease. The variant allele was found at a frequency of 6.5e-05 in 30950 control chromosomes (gnomAD). The variant, c.1372G>T, has been reported in the literature in multiple individuals affected with Hereditary Breast and Ovarian Cancer (Norquist_2016, Schoolmeester_2017, Susswein_2015). These data indicate that the variant is very likely to be associated with disease. To our knowledge, no experimental evidence demonstrating an impact on protein function has been reported. Five ClinVar submissions from clinical diagnostic laboratories (evaluation after 2014) cites the variant as pathogenic. Based on the evidence outlined above, the variant was classified as pathogenic.

Counsyl
Classification: Pathogenic for Fanconi anemia complementation group J; Ovarian cancer. Last evaluated: 2018-05-25. Review status: no assertion criteria provided. Collection method: clinical testing. Allele origin: unknown. Not counted in ClinVar's aggregate classification.

Literature cited by the submitters: PubMed 16116423 (cited by Labcorp Genetics (formerly Invitae), Labcorp and Sema4); PubMed 17033622 (cited by Labcorp Genetics (formerly Invitae), Labcorp); PubMed 21964575 (cited by Labcorp Genetics (formerly Invitae), Labcorp); PubMed 26681312 (cited by 8 submitters); PubMed 26720728 (cited by 7 submitters); PubMed 28709830 (cited by 7 submitters); PubMed 30154229 (cited by 4 submitters); PubMed 30716324 (cited by 5 submitters); PubMed 31341520 (cited by 3 submitters); PubMed 31512090 (cited by 4 submitters); PubMed 32242007 (cited by 3 submitters); PubMed 34326862 (cited by Quest Diagnostics Nichols Institute San Juan Capistrano); PubMed 31589614 (cited by Quest Diagnostics Nichols Institute San Juan Capistrano); PubMed 29922827 (cited by Quest Diagnostics Nichols Institute San Juan Capistrano); PubMed 33471991 (cited by Quest Diagnostics Nichols Institute San Juan Capistrano and Sema4).